The following is an entry in ClinVar:

ClinVar aggregate classification (germline): Uncertain significance (1 of 4 stars; one submission).

Submission:

GeneDx
Classification: Uncertain significance. Last evaluated: 2025-01-09. Review status: criteria provided, single submitter. Criteria: GeneDx Variant Classification Process June 2021. Collection method: clinical testing. Allele origin: germline. Affected: yes.
Comment: Not observed at significant frequency in large population cohorts (gnomAD); In silico analysis supports that this missense variant has a deleterious effect on protein structure/function; Has not been previously published as pathogenic or benign to our knowledge

NM_003931.3(WASF1):c.439G>A (p.Gly147Ser)

Gene: WASF1 (WASP family member 1; minus strand). Cytogenetic location: 6q21.
Variant type: single nucleotide variant.
Coding change: c.439G>A on transcript NM_003931.3 (MANE Select); coding-DNA position 439, G replaced by A.
Protein change: p.Gly147Ser; replaces glycine 147 with serine.
Molecular consequence: missense variant.
Genome position (GRCh38, 1-based): chr6:110,107,178, C>T on the plus strand (G>A on the coding strand, the complement: WASF1 is on the minus strand). VCF-style: chr6-110107178-C-T. GRCh37 (hg19) VCF-style: chr6-110428381-C-T.
Other names: c.439G>A, p.Gly147Ser (NM_001024934.2, NM_001024935.2, NM_001024936.2); short protein forms G147S.
Identifiers: ClinVar variation 4056934 (VCV004056934.1).